The following is an entry in ClinVar:

ClinVar aggregate classification (germline): Uncertain significance (1 of 4 stars; one submission).

Conditions:
Hereditary cancer-predisposing syndrome. Also called: Tumor predisposition; Neoplastic Syndromes, Hereditary; Hereditary Cancer Syndrome; Hereditary neoplastic syndrome. Identifiers: Orphanet 140162, MedGen C0027672, MeSH D009386, MONDO:0015356.

Submission:

Ambry Genetics
Classification: Uncertain significance for Hereditary cancer-predisposing syndrome. Last evaluated: 2025-01-05. Review status: criteria provided, single submitter. Criteria: Ambry Variant Classification Scheme 2023. Collection method: clinical testing. Allele origin: germline.
Comment: The p.T2635R variant (also known as c.7904C>G), located in coding exon 15 of the APC gene, results from a C to G substitution at nucleotide position 7904. The threonine at codon 2635 is replaced by arginine, an amino acid with similar properties. This amino acid position is conserved. In addition, in silico predictors for this gene do not accurately predict pathogenicity. Based on the available evidence, the clinical significance of this variant remains unclear.

NM_000038.6(APC):c.7904C>G (p.Thr2635Arg)

Gene: APC (APC regulator of Wnt signaling pathway; plus strand). Cytogenetic location: 5q22.2.
Variant type: single nucleotide variant.
Coding change: c.7904C>G on transcript NM_000038.6 (MANE Select); coding-DNA position 7904, C replaced by G.
Protein change: p.Thr2635Arg; replaces threonine 2635 with arginine.
Molecular consequence: missense variant. On other transcripts: non-coding transcript variant (2).
Genome position (GRCh38, 1-based): chr5:112,843,498, C>G. VCF-style: chr5-112843498-C-G. GRCh37 (hg19) VCF-style: chr5-112179195-C-G.
Other names: c.7904C>G, p.Thr2635Arg (NM_001127510.3, NM_001354895.2, NM_001407450.1); c.7850C>G, p.Thr2617Arg (NM_001127511.3); c.7958C>G, p.Thr2653Arg (NM_001354896.2, NM_001407447.1, NM_001407448.1 and 1 more transcripts); c.7934C>G, p.Thr2645Arg (NM_001354897.2); c.7829C>G, p.Thr2610Arg (NM_001354898.2); c.7820C>G, p.Thr2607Arg (NM_001354899.2); c.7781C>G, p.Thr2594Arg (NM_001354900.2); c.7727C>G, p.Thr2576Arg (NM_001354901.2, NM_001407453.1); and 11 more; short protein forms T2251R, T2352R, T2475R, T2509R, T2544R, T2552R, T2617R, T2625R.
Identifiers: ClinVar variation 3881510 (VCV003881510.1).
Genomic context (GRCh38, chr5:112,843,498, plus strand): 5'-TAAAAGAAAATGAATTTTCTCCCACAAATAGTACTTCTCAGACCGTTTCCTCAGGTGCTA[C>G]AAATGGTGCTGAATCAAAGACTCTAATTTATCAAATGGCACCTGCTGTTTCTAAAACAGA-3'
Protein context (NP_000029.2, residues 2625-2645): STSQTVSSGA[Thr2635Arg]NGAESKTLIY